The following is an entry in ClinVar:

ClinVar aggregate classification (germline): Uncertain significance. Review status: criteria provided, single submitter (1 of 4 stars). 2 submissions from 2 submitters: Uncertain significance (1). 1 of the submissions does not count toward it. Last evaluated 2024-11-11.

Conditions:
Autosomal dominant Alport syndrome (ATS3A). Also called: Alport syndrome dominant type; Renal failure and sensorineural hearing loss; ALPORT SYNDROME 3A, AUTOSOMAL DOMINANT. Identifiers: Orphanet 63, Orphanet 88918, MedGen C5882663, MONDO:0007086, OMIM 104200.
Autosomal recessive Alport syndrome (ATS2). Also called: Alport syndrome type 2; COL4A3-Related Nephropathy; COL4A4 Alport Syndrome and Thin Basement Membrane Nephropathy; ALPORT SYNDROME 2, AUTOSOMAL RECESSIVE. Identifiers: Orphanet 63, Orphanet 88919, MedGen C4746745, MONDO:0008762, OMIM 203780.

Submissions (2):

MVZ Medizinische Genetik Mainz
Classification: Uncertain significance for Autosomal recessive Alport syndrome. Last evaluated: 2024-11-11. Review status: criteria provided, single submitter. Criteria: UK Practice Guidelines For Variant Classification V4 01 2020. Collection method: clinical testing. Allele origin: germline. Inheritance: Unknown mechanism. Affected: yes. Observed: 1 variant allele.
Comment: ACMG Criteria: PS1_SUP,PM2_SUP,PP3,PP4

Bioscientia Institut fuer Medizinische Diagnostik GmbH, Sonic Healthcare
Classification: Likely pathogenic for Autosomal dominant Alport syndrome. Last evaluated: 2018-07-05. Review status: no assertion criteria provided. Collection method: clinical testing. Allele origin: germline. Affected: yes. Not counted in ClinVar's aggregate classification.

NM_000092.5(COL4A4):c.693G>A (p.Lys231=)

Gene: COL4A4 (collagen type IV alpha 4 chain; minus strand). Cytogenetic location: 2q36.3.
Variant type: single nucleotide variant.
Coding change: c.693G>A on transcript NM_000092.5 (MANE Select); coding-DNA position 693, G replaced by A.
Protein change: p.Lys231=; no amino-acid change (lysine 231 retained).
Molecular consequence: synonymous variant.
Genome position (GRCh38, 1-based): chr2:227,108,833, C>T on the plus strand (G>A on the coding strand, the complement: COL4A4 is on the minus strand). VCF-style: chr2-227108833-C-T. GRCh37 (hg19) VCF-style: chr2-227973549-C-T.
Identifiers: ClinVar variation 599147 (VCV000599147.3), dbSNP rs1559644463, ClinGen allele CA431502185.